The following is an entry in ClinVar:

NM_000018.4(ACADVL):c.62+2T>A

Genes: ACADVL (acyl-CoA dehydrogenase very long chain; plus strand), DLG4 (discs large MAGUK scaffold protein 4; minus strand). Cytogenetic location: 17p13.1.
Variant type: single nucleotide variant.
Coding change: c.62+2T>A on transcript NM_000018.4 (MANE Select); the canonical splice donor site of the intron after coding-DNA position 62, T replaced by A.
Molecular consequence: splice donor variant. On other transcripts: 5 prime UTR variant (2), non-coding transcript variant (1), intron variant (1).
Genome position (GRCh38, 1-based): chr17:7,220,048, T>A. VCF-style: chr17-7220048-T-A. GRCh37 (hg19) VCF-style: chr17-7123367-T-A.
Other names: c.-1199A>T (NM_001321074.1); c.-240T>A (NM_001270448.2); c.132-74T>A (NM_001270447.2); c.62+2T>A (NM_001033859.3).
Identifiers: ClinVar variation 4728910 (VCV004728910.1).

ClinVar aggregate classification (germline): Likely pathogenic (1 of 4 stars; one submission).

Conditions:
Very long chain acyl-CoA dehydrogenase deficiency (ACADVLD). Also called: VLCAD Deficiency; Very Long-Chain Acyl-Coenzyme A Dehydrogenase Deficiency. Identifiers: Orphanet 26793, MedGen C3887523, MONDO:0008723, OMIM 201475.

Submission:

Labcorp Genetics (formerly Invitae), Labcorp
Classification: Likely pathogenic for Very long chain acyl-CoA dehydrogenase deficiency. Last evaluated: 2025-10-10. Review status: criteria provided, single submitter. Criteria: Invitae Variant Classification Sherloc (09022015). Collection method: clinical testing. Allele origin: germline.
Comment: This sequence change affects a donor splice site in intron 1 of the ACADVL gene. It is expected to disrupt RNA splicing. Variants that disrupt the donor or acceptor splice site typically lead to a loss of protein function (PMID: 16199547), and loss-of-function variants in ACADVL are known to be pathogenic (PMID: 9973285, 11590124). This variant is not present in population databases (gnomAD no frequency). This variant has not been reported in the literature in individuals affected with ACADVL-related conditions. Algorithms developed to predict the effect of sequence changes on RNA splicing suggest that this variant may disrupt the consensus splice site. In summary, the currently available evidence indicates that the variant is pathogenic, but additional data are needed to prove that conclusively. Therefore, this variant has been classified as Likely Pathogenic.

Literature cited by the submitters: PubMed 16199547; PubMed 9973285; PubMed 11590124.